The following is an entry in ClinVar:

NM_004006.3(DMD):c.473A>C (p.Asn158Thr)

Gene: DMD (dystrophin; minus strand). Cytogenetic location: Xp21.1.
Variant type: single nucleotide variant.
Coding change: c.473A>C on transcript NM_004006.3 (MANE Select); coding-DNA position 473, A replaced by C.
Protein change: p.Asn158Thr; replaces asparagine 158 with threonine.
Molecular consequence: missense variant.
Genome position (GRCh38, 1-based): chrX:32,816,525, T>G on the plus strand (A>C on the coding strand, the complement: DMD is on the minus strand). VCF-style: chrX-32816525-T-G. GRCh37 (hg19) VCF-style: chrX-32834642-T-G.
Other names: c.449A>C, p.Asn150Thr (NM_000109.4); c.461A>C, p.Asn154Thr (NM_004009.3); c.104A>C, p.Asn35Thr (NM_004010.3); short protein forms N150T, N154T, N158T, N35T.
Identifiers: ClinVar variation 1055001 (VCV001055001.7), dbSNP rs2077775713, ClinGen allele CA412674144.

ClinVar aggregate classification (germline): Uncertain significance (1 of 4 stars; one submission).

Conditions:
Duchenne muscular dystrophy (DMD). Also called: MUSCULAR DYSTROPHY, PSEUDOHYPERTROPHIC PROGRESSIVE, DUCHENNE TYPE; Duchenne Muscular Dystrophy (DMD). Identifiers: Orphanet 98896, MedGen C0013264, MONDO:0010679, OMIM 310200.

Submission:

Labcorp Genetics (formerly Invitae), Labcorp
Classification: Uncertain significance for Duchenne muscular dystrophy. Last evaluated: 2022-11-18. Review status: criteria provided, single submitter. Criteria: Invitae Variant Classification Sherloc (09022015). Collection method: clinical testing. Allele origin: germline.
Comment: In summary, the available evidence is currently insufficient to determine the role of this variant in disease. Therefore, it has been classified as a Variant of Uncertain Significance. This variant disrupts the p.Asn158 amino acid residue in DMD. Other variant(s) that disrupt this residue have been determined to be pathogenic (Invitae). This suggests that this residue is clinically significant, and that variants that disrupt this residue are likely to be disease-causing. Algorithms developed to predict the effect of missense changes on protein structure and function (SIFT, PolyPhen-2, Align-GVGD) all suggest that this variant is likely to be disruptive. ClinVar contains an entry for this variant (Variation ID: 1055001). This missense change has been observed in individual(s) with clinical features of Becker muscular dystrophy (PMID: 32403337). This variant is not present in population databases (gnomAD no frequency). This sequence change replaces asparagine, which is neutral and polar, with threonine, which is neutral and polar, at codon 158 of the DMD protein (p.Asn158Thr).

Literature cited by the submitters: PubMed 32403337.